The following is an entry in ClinVar:

NM_004855.5(PIGB):c.1016G>A (p.Arg339Gln)

Gene: PIGB (phosphatidylinositol glycan anchor biosynthesis class B; plus strand). Cytogenetic location: 15q21.3.
Variant type: single nucleotide variant.
Coding change: c.1016G>A on transcript NM_004855.5 (MANE Select); coding-DNA position 1016, G replaced by A.
Protein change: p.Arg339Gln; replaces arginine 339 with glutamine.
Molecular consequence: missense variant.
Genome position (GRCh38, 1-based): chr15:55,340,781, G>A. VCF-style: chr15-55340781-G-A. GRCh37 (hg19) VCF-style: chr15-55632979-G-A.
Other names: c.1016G>A (NM_004855.4); short protein forms R339Q.
Identifiers: ClinVar variation 1712511 (VCV001712511.2), dbSNP rs749040766, ClinGen allele CA7573985.
Genomic context (GRCh38, chr15:55,340,781, plus strand): 5'-TCTTGGGTACTCACTTACCCTTCTTTATTCATGGCTGCTATCTAGCACCAAAGAGATACC[G>A]GATACTTTTGGTGACTGTGCTGTGGACACTGCTTGTTTATAGGTAAGATTTTATTTGTTC-3'
Protein context (NP_004846.4, residues 329-349): HGCYLAPKRY[Arg339Gln]ILLVTVLWTL

ClinVar aggregate classification (germline): Uncertain significance. Review status: criteria provided, multiple submitters, no conflicts (2 of 4 stars). 2 submissions from 2 submitters: Uncertain significance (2). Last evaluated 2026-08-05.

Conditions:
Developmental and epileptic encephalopathy, 80. Also called: EPILEPTIC ENCEPHALOPATHY, EARLY INFANTILE, 80; GLYCOSYLPHOSPHATIDYLINOSITOL BIOSYNTHESIS DEFECT 20. Identifiers: MedGen C5231418, MONDO:0032822, OMIM 618580.
Inborn genetic diseases. Identifiers: MedGen C0950123, MeSH D030342.

Allele frequency attached by ClinVar (database versions not stated): TOPMed 0.00005; gnomAD exomes 0.00001; gnomAD 0.00001; ExAC 0.00001.

Submissions (2):

Ambry Genetics
Classification: Uncertain significance for Inborn genetic diseases. Last evaluated: 2026-08-05. Review status: criteria provided, single submitter. Criteria: Ambry Variant Classification Scheme 2023. Collection method: clinical testing. Allele origin: germline.

Breda Genetics srl
Classification: Uncertain significance for Developmental and epileptic encephalopathy, 80. Last evaluated: 2022-09-08. Review status: criteria provided, single submitter. Criteria: ACMG Guidelines, 2015. Collection method: clinical testing. Allele origin: paternal. Inheritance: Autosomal recessive inheritance. Affected: yes. Observed: 1 variant allele, 1 heterozygote.
Comment: Based on allele frequency, in-silico prediction scores and a certain overlap with the clinical phenotype, we interpreted this variant at least as of uncertain significance. The lack of one or more of the following features has discouraged further investigations: lack of a possible second hit in autosomal recessive conditions, presence of healthy controls in databases for autosomal dominant conditions, presence of unmatching cardinal clinical features in the patient or in the known gene-disease association, and/or variant type outside the known gene mutational spectrum.